The following is an entry in ClinVar:

NM_004380.3(CREBBP):c.6624A>C (p.Gln2208His)

Gene: CREBBP (CREB binding lysine acetyltransferase; minus strand). Cytogenetic location: 16p13.3.
Variant type: single nucleotide variant.
Coding change: c.6624A>C on transcript NM_004380.3 (MANE Select); coding-DNA position 6624, A replaced by C.
Protein change: p.Gln2208His; replaces glutamine 2208 with histidine.
Molecular consequence: missense variant.
Genome position (GRCh38, 1-based): chr16:3,728,423, T>G on the plus strand (A>C on the coding strand, the complement: CREBBP is on the minus strand). VCF-style: chr16-3728423-T-G. GRCh37 (hg19) VCF-style: chr16-3778424-T-G.
Other names: c.6510A>C, p.Gln2170His (NM_001079846.1); short protein forms Q2208H, Q2170H.
Identifiers: ClinVar variation 158398 (VCV000158398.49), dbSNP rs142545779, ClinGen allele CA171804.
Genomic context (GRCh38, chr16:3,728,423, plus strand): 5'-GTGCCCCGCCATGCCCCCAGCCATGCCGGCACTCCCTTGCTGCTGCTGCTGTTGCTGCTG[T>G]TGTTGCTGCTGCTGTTGCTGCTGCTGCTGCAGCAGCTGCCTCCGTAACATTTCTCGGTAC-3'
Protein context (NP_004371.2, residues 2198-2218): LQQQQQQQQQ[Gln2208His]QQQQQQQQGS

ClinVar aggregate classification (germline): Benign/Likely benign. Review status: criteria provided, multiple submitters, no conflicts (2 of 4 stars). 9 submissions from 9 submitters: Benign (4); Likely benign (3). 2 of the submissions do not count toward it. Last evaluated 2025-12-01.

Conditions:
Rubinstein-Taybi syndrome (RSTS). Identifiers: Orphanet 783, MedGen C0035934, MONDO:0019188.
Inborn genetic diseases. Identifiers: MedGen C0950123, MeSH D030342.

gnomAD v4.1: 2,647 of 1,612,542 alleles (0.16%); highest among the groups gnomAD compares: Non-Finnish European, 0.16%; 6 homozygotes.

Submissions (9):

CeGaT Center for Human Genetics Tuebingen
Classification: Likely benign. Last evaluated: 2025-12-01. Review status: criteria provided, single submitter. Criteria: CeGaT Center For Human Genetics Tuebingen Variant Classification Criteria Version 2. Collection method: clinical testing. Allele origin: germline. Affected: yes. Observed: 5 variant alleles.
Comment: CREBBP: PP2, BS1

Labcorp Genetics (formerly Invitae), Labcorp
Classification: Benign for Rubinstein-Taybi syndrome. Last evaluated: 2025-11-13. Review status: criteria provided, single submitter. Criteria: Invitae Variant Classification Sherloc (09022015). Collection method: clinical testing. Allele origin: germline.

Blueprint Genetics
Classification: Likely benign. Last evaluated: 2024-11-07. Review status: criteria provided, single submitter. Criteria: ACMG Guidelines, 2015. Collection method: clinical testing. Allele origin: germline.

GeneDx
Classification: Benign. Last evaluated: 2019-05-28. Review status: criteria provided, single submitter. Criteria: GeneDx Variant Classification Process June 2021. Collection method: clinical testing. Allele origin: germline. Affected: yes.
Comment: This variant is associated with the following publications: (PMID: 16021471, 25659731)

Ambry Genetics
Classification: Likely benign for Inborn genetic diseases. Last evaluated: 2017-03-30. Review status: criteria provided, single submitter. Criteria: Ambry Variant Classification Scheme 2023. Collection method: clinical testing. Allele origin: germline.

Eurofins Ntd Llc (ga)
Classification: Benign. Last evaluated: 2015-03-04. Review status: criteria provided, single submitter. Criteria: EGL Classification Definitions 2015. Collection method: clinical testing. Allele origin: germline. Observed: 1 variant allele, 1 heterozygote.

Genetic Services Laboratory, University of Chicago
Classification: Benign. Last evaluated: 2013-02-08. Review status: criteria provided, single submitter. Criteria: ACMG Guidelines, 2007. Collection method: clinical testing. Allele origin: germline. Inheritance: Autosomal dominant inheritance.

Genome Diagnostics Laboratory, University Medical Center Utrecht
Classification: Likely benign. Review status: no assertion criteria provided. Collection method: clinical testing. Allele origin: germline. Affected: yes. Study: VKGL Data-share Consensus. Not counted in ClinVar's aggregate classification.

Laboratory of Diagnostic Genome Analysis, Leiden University Medical Center (LUMC)
Classification: Likely benign. Review status: no assertion criteria provided. Collection method: clinical testing. Allele origin: germline. Affected: yes. Study: VKGL Data-share Consensus. Not counted in ClinVar's aggregate classification.

Literature cited by the submitters: PubMed 16021471 (cited by Eurofins Ntd Llc (ga)).